The following is an entry in ClinVar:

NM_001128225.3(SLC39A13):c.556A>G (p.Thr186Ala)

Gene: SLC39A13 (solute carrier family 39 member 13; plus strand). Cytogenetic location: 11p11.2.
Variant type: single nucleotide variant.
Coding change: c.556A>G on transcript NM_001128225.3 (MANE Select); coding-DNA position 556, A replaced by G.
Protein change: p.Thr186Ala; replaces threonine 186 with alanine.
Molecular consequence: missense variant. On other transcripts: non-coding transcript variant (1).
Genome position (GRCh38, 1-based): chr11:47,413,418, A>G. VCF-style: chr11-47413418-A-G. GRCh37 (hg19) VCF-style: chr11-47434969-A-G.
Other names: c.556A>G (NM_152264.4); c.556A>G, p.Thr186Ala (NM_001330245.2, NM_152264.5); short protein forms T186A.
Identifiers: ClinVar variation 3366631 (VCV003366631.2).

ClinVar aggregate classification (germline): Uncertain significance. Review status: criteria provided, multiple submitters, no conflicts (2 of 4 stars). 2 submissions from 2 submitters: Uncertain significance (2). Last evaluated 2025-10-18.

Conditions:
Inborn genetic diseases. Identifiers: MedGen C0950123, MeSH D030342.

gnomAD v4.1: 7 of 1,613,824 alleles (0.00043%); highest among the groups gnomAD compares: Admixed American, 0.012%; no homozygotes.

Submissions (2):

Ambry Genetics
Classification: Uncertain significance for Inborn genetic diseases. Last evaluated: 2025-10-18. Review status: criteria provided, single submitter. Criteria: Ambry Variant Classification Scheme 2023. Collection method: clinical testing. Allele origin: germline.

Women's Health and Genetics/Laboratory Corporation of America, LabCorp
Classification: Uncertain significance. Last evaluated: 2024-08-23. Review status: criteria provided, single submitter. Criteria: LabCorp Variant Classification Summary - May 2015. Collection method: clinical testing. Allele origin: germline.
Comment: Variant summary: SLC39A13 c.556A>G (p.Thr186Ala) results in a non-conservative amino acid change in the encoded protein sequence. Four of five in-silico tools predict a benign effect of the variant on protein function. The variant allele was found at a frequency of 1.2e-05 in 251018 control chromosomes. The available data on variant occurrences in the general population are insufficient to allow any conclusion about variant significance. To our knowledge, no occurrence of c.556A>G in individuals affected with Spondylocheirodysplasia, Ehlers-Danlos Syndrome-Like and no experimental evidence demonstrating its impact on protein function have been reported. No submitters have cited clinical-significance assessments for this variant to ClinVar. Based on the evidence outlined above, the variant was classified as uncertain significance.